The following is an entry in ClinVar:

NM_001170629.2(CHD8):c.2369G>A (p.Arg790His)

Gene: CHD8 (chromodomain helicase DNA binding protein 8; minus strand). Cytogenetic location: 14q11.2.
Variant type: single nucleotide variant.
Coding change: c.2369G>A on transcript NM_001170629.2 (MANE Select); coding-DNA position 2369, G replaced by A.
Protein change: p.Arg790His; replaces arginine 790 with histidine.
Molecular consequence: missense variant.
Genome position (GRCh38, 1-based): chr14:21,408,821, C>T on the plus strand (G>A on the coding strand, the complement: CHD8 is on the minus strand). VCF-style: chr14-21408821-C-T. GRCh37 (hg19) VCF-style: chr14-21876980-C-T.
Other names: c.1532G>A, p.Arg511His (NM_020920.4); c.2369G>A (NM_001170629.1); short protein forms R790H, R511H.
Identifiers: ClinVar variation 2161967 (VCV002161967.7), dbSNP rs769243605, ClinGen allele CA7091569.
Genomic context (GRCh38, chr14:21,408,821, plus strand): 5'-TGGTTTCTGTTTTTATATTCATGTGATAGCTCCAATTTCTTCCAGGCACTTGCCTGCGGA[C>T]GATTCTAAAAAACAAGACGTTTGAATAAATGGAGTGGAGACATTATCAAAAGGTAAGACT-3'
Protein context (NP_001164100.1, residues 780-800): SRHPELKRVN[Arg790His]PQASAWKKLE

ClinVar aggregate classification (germline): Uncertain significance. Review status: criteria provided, multiple submitters, no conflicts (2 of 4 stars). 2 submissions from 2 submitters: Uncertain significance (2). Last evaluated 2026-02-11.

Conditions:
CHD8-related disorder. Also called: CHD8-related condition; CHD8-related disorders.

Allele frequency attached by ClinVar (database versions not stated): TOPMed 0.00002; gnomAD 0.00003; gnomAD exomes 0.00003; ExAC 0.00006.
gnomAD v4.1: 52 of 1,605,962 alleles (0.0032%); highest among the groups gnomAD compares: South Asian, 0.01%; no homozygotes.

Submissions (2):

PreventionGenetics, part of Exact Sciences
Classification: Uncertain significance for CHD8-related condition. Last evaluated: 2026-02-11. Review status: criteria provided, single submitter. Criteria: ACMG Guidelines, 2015. Collection method: clinical testing. Allele origin: germline.
Comment: The CHD8 c.2369G>A variant is predicted to result in the amino acid substitution p.Arg790His. This variant was identified in a study analyzing risk genes for neurodevelopmental disorders, however specific patient information was not reported in detail (Supplemental Table 5, Wang et al 2020. PubMed ID: 33004838). This variant is reported in 0.018% of alleles in individuals of South Asian descent in gnomAD. Although we suspect this variant may be benign, at this time, the clinical significance of this variant is uncertain due to the absence of conclusive functional and genetic evidence.

Labcorp Genetics (formerly Invitae), Labcorp
Classification: Uncertain significance. Last evaluated: 2025-12-28. Review status: criteria provided, single submitter. Criteria: Invitae Variant Classification Sherloc (09022015). Collection method: clinical testing. Allele origin: germline.
Comment: This sequence change replaces arginine, which is basic and polar, with histidine, which is basic and polar, at codon 790 of the CHD8 protein (p.Arg790His). This variant is present in population databases (rs769243605, gnomAD 0.02%). This missense change has been observed in individual(s) with CHD8-related conditions (PMID: 33004838). ClinVar contains an entry for this variant (Variation ID: 2161967). Invitae Evidence Modeling of protein sequence and biophysical properties (such as structural, functional, and spatial information, amino acid conservation, physicochemical variation, residue mobility, and thermodynamic stability) has been performed for this missense variant. However, the output from this modeling did not meet the statistical confidence thresholds required to predict the impact of this variant on CHD8 protein function. In summary, the available evidence is currently insufficient to determine the role of this variant in disease. Therefore, it has been classified as a Variant of Uncertain Significance.

Literature cited by the submitters: PubMed 33004838 (cited by Labcorp Genetics (formerly Invitae), Labcorp).